The following is an entry in ClinVar:

ClinVar aggregate classification (germline): Uncertain significance (1 of 4 stars; one submission).

Allele frequency attached by ClinVar (database versions not stated): gnomAD 0.00001; TOPMed 0.00002.
gnomAD v4.1: 1 of 1,210,628 alleles (0.000083%); highest among the groups gnomAD compares: Non-Finnish European, 0.00011%; no homozygotes.

Submission:

HudsonAlpha Institute for Biotechnology
Classification: Uncertain significance. Last evaluated: 2020-03-03. Review status: criteria provided, single submitter. Criteria: ACMG Guidelines, 2015. Collection method: research. Allele origin: maternal. Observed: 1 variant allele. Study: HudsonAlpha-AGHI-WGS.
Comment: ACMG codes:PM2

NM_001666.5(ARHGAP4):c.926T>G (p.Val309Gly)

Gene: ARHGAP4 (Rho GTPase activating protein 4; minus strand). Cytogenetic location: Xq28.
Variant type: single nucleotide variant.
Coding change: c.926T>G on transcript NM_001666.5 (MANE Select); coding-DNA position 926, T replaced by G.
Protein change: p.Val309Gly; replaces valine 309 with glycine.
Molecular consequence: missense variant.
Genome position (GRCh38, 1-based): chrX:153,918,938, A>C on the plus strand (T>G on the coding strand, the complement: ARHGAP4 is on the minus strand). VCF-style: chrX-153918938-A-C. GRCh37 (hg19) VCF-style: chrX-153184392-A-C.
Other names: c.1046T>G, p.Val349Gly (NM_001164741.2); short protein forms V309G, V349G.
Identifiers: ClinVar variation 1251954 (VCV001251954.1), dbSNP rs1293728849, ClinGen allele CA415137074.